The following is an entry in ClinVar:

NM_015978.3(TNNI3K):c.1235C>T (p.Pro412Leu)

Genes: FPGT-TNNI3K (FPGT-TNNI3K readthrough; plus strand), TNNI3K (TNNI3 interacting kinase; plus strand). Cytogenetic location: 1p31.1.
Variant type: single nucleotide variant.
Coding change: c.1235C>T on transcript NM_015978.3 (MANE Select); coding-DNA position 1235, C replaced by T.
Protein change: p.Pro412Leu; replaces proline 412 with leucine.
Molecular consequence: missense variant.
Genome position (GRCh38, 1-based): chr1:74,367,313, C>T. VCF-style: chr1-74367313-C-T. GRCh37 (hg19) VCF-style: chr1-74832997-C-T.
Other names: c.1538C>T, p.Pro513Leu (NM_001112808.3, NM_001199327.2); short protein forms P412L, P513L.
Identifiers: ClinVar variation 2870299 (VCV002870299.3), dbSNP rs201291650, ClinGen allele CA24543105.

ClinVar aggregate classification (germline): Uncertain significance (1 of 4 stars; one submission).

Allele frequency attached by ClinVar (database versions not stated): gnomAD 0.00001.
gnomAD v4.1: 1 of 1,612,028 alleles (0.000062%); highest among the groups gnomAD compares: Non-Finnish European, 0.000085%; no homozygotes.

Submission:

Labcorp Genetics (formerly Invitae), Labcorp
Classification: Uncertain significance. Last evaluated: 2024-09-23. Review status: criteria provided, single submitter. Criteria: Invitae Variant Classification Sherloc (09022015). Collection method: clinical testing. Allele origin: germline.
Comment: This sequence change replaces proline, which is neutral and non-polar, with leucine, which is neutral and non-polar, at codon 412 of the TNNI3K protein (p.Pro412Leu). This variant is present in population databases (rs201291650, gnomAD no frequency). This variant has not been reported in the literature in individuals affected with TNNI3K-related conditions. Invitae Evidence Modeling of protein sequence and biophysical properties (such as structural, functional, and spatial information, amino acid conservation, physicochemical variation, residue mobility, and thermodynamic stability) indicates that this missense variant is not expected to disrupt TNNI3K protein function with a negative predictive value of 80%. In summary, the available evidence is currently insufficient to determine the role of this variant in disease. Therefore, it has been classified as a Variant of Uncertain Significance.